The following is an entry in ClinVar:

ClinVar aggregate classification (germline): Benign. Review status: criteria provided, multiple submitters, no conflicts (2 of 4 stars). 8 submissions from 8 submitters: Benign (8). Last evaluated 2026-02-01.

Conditions:
Focal segmental glomerulosclerosis 2 (FSGS2). Identifiers: Orphanet 656, MedGen C1858915, MONDO:0011390, OMIM 603965.

Allele frequency attached by ClinVar (database versions not stated): gnomAD exomes 0.08263; ExAC 0.08786; gnomAD 0.14840 and 0.15473; 1000 Genomes Project 0.15335; TOPMed 0.15885; 1000 Genomes Project 30x 0.15959; ESP Exome Variant Server 0.16076.
gnomAD v4.1: 136,527 of 1,610,434 alleles (8.5%); highest among the groups gnomAD compares: African/African-American, 36%; 9,280 homozygotes.

Submissions (8):

Labcorp Genetics (formerly Invitae), Labcorp
Classification: Benign. Last evaluated: 2026-02-01. Review status: criteria provided, single submitter. Criteria: Invitae Variant Classification Sherloc (09022015). Collection method: clinical testing. Allele origin: germline.

Blueprint Genetics
Classification: Benign. Last evaluated: 2024-11-27. Review status: criteria provided, single submitter. Criteria: ACMG Guidelines, 2015. Collection method: clinical testing. Allele origin: germline.

Mayo Clinic Laboratories, Mayo Clinic
Classification: Benign. Last evaluated: 2022-03-09. Review status: criteria provided, single submitter. Criteria: ACMG Guidelines, 2015. Collection method: clinical testing. Allele origin: germline. Observed: 38 variant alleles.

GeneDx
Classification: Benign. Last evaluated: 2019-08-20. Review status: criteria provided, single submitter. Criteria: GeneDx Variant Classification Process June 2021. Collection method: clinical testing. Allele origin: germline. Affected: yes.

Illumina Laboratory Services, Illumina
Classification: Benign for Focal segmental glomerulosclerosis 2. Last evaluated: 2018-01-13. Review status: criteria provided, single submitter. Criteria: ICSL Variant Classification Criteria 13 December 2019. Collection method: clinical testing. Allele origin: germline.
Comment: This variant was observed in the ICSL laboratory as part of a predisposition screen in an ostensibly healthy population. It had not been previously curated by ICSL or reported in the Human Gene Mutation Database (HGMD: prior to June 1st, 2018), and was therefore a candidate for classification through an automated scoring system. Utilizing variant allele frequency, disease prevalence and penetrance estimates, and inheritance mode, an automated score was calculated to assess if this variant is too frequent to cause the disease. Based on the score and internal cut-off values, a variant classified as benign is not then subjected to further curation. The score for this variant resulted in a classification of benign for this disease.

Athena Diagnostics
Classification: Benign for Focal segmental glomerulosclerosis 2. Last evaluated: 2017-04-14. Review status: criteria provided, single submitter. Criteria: Athena Diagnostics Criteria. Collection method: clinical testing. Allele origin: germline.

Breakthrough Genomics
Classification: Benign. Review status: criteria provided, single submitter. Criteria: ACMG Guidelines, 2015. Collection method: not provided. Allele origin: germline. Inheritance: Autosomal dominant inheritance. Affected: yes.

PreventionGenetics, part of Exact Sciences
Classification: Benign. Review status: criteria provided, single submitter. Criteria: ACMG Guidelines, 2015. Collection method: clinical testing. Allele origin: germline.

NM_004621.6(TRPC6):c.2529C>T (p.Phe843=)

Gene: TRPC6 (transient receptor potential cation channel subfamily C member 6; minus strand). Cytogenetic location: 11q22.1.
Variant type: single nucleotide variant.
Coding change: c.2529C>T on transcript NM_004621.6 (MANE Select); coding-DNA position 2529, C replaced by T.
Protein change: p.Phe843=; no amino-acid change (phenylalanine 843 retained).
Molecular consequence: synonymous variant.
Genome position (GRCh38, 1-based): chr11:101,455,057, G>A on the plus strand (C>T on the coding strand, the complement: TRPC6 is on the minus strand). VCF-style: chr11-101455057-G-A. GRCh37 (hg19) VCF-style: chr11-101325788-G-A.
Other names: p.Phe843=.
Identifiers: ClinVar variation 259460 (VCV000259460.18), dbSNP rs72984209, ClinGen allele CA6244088.
Genomic context (GRCh38, chr11:101,455,057, plus strand): 5'-CCTTTAAAAATCCATGCTTACCTGATATTGTCTTGGAGGATTATTGAAACTATTTAGATG[G>A]AAATCTTCTGAGCTCCTTATACTTGGTTGTTTATTGTGCCCAACCTGTAATTTGAAAAGA-3'
Protein context (NP_004612.2, residues 833-853): KQPSIRSSED[Phe843=]HLNSFNNPPR